The following is an entry in ClinVar:

ClinVar aggregate classification (germline): Pathogenic (1 of 4 stars; one submission).

Submission:

Labcorp Genetics (formerly Invitae), Labcorp
Classification: Pathogenic. Last evaluated: 2023-03-18. Review status: criteria provided, single submitter. Criteria: Invitae Variant Classification Sherloc (09022015). Collection method: clinical testing. Allele origin: germline.
Comment: This variant is not present in population databases (gnomAD no frequency). For these reasons, this variant has been classified as Pathogenic. This variant has not been reported in the literature in individuals affected with NDUFS6-related conditions. This sequence change creates a premature translational stop signal (p.Ala18Glyfs*39) in the NDUFS6 gene. It is expected to result in an absent or disrupted protein product. Loss-of-function variants in NDUFS6 are known to be pathogenic (PMID: 15372108).

Literature cited by the submitters: PubMed 15372108.

NM_004553.6(NDUFS6):c.53_56del (p.Ala18fs)

Gene: NDUFS6 (NADH:ubiquinone oxidoreductase subunit S6; plus strand). Cytogenetic location: 5p15.33.
Variant type: Deletion.
Coding change: c.53_56del on transcript NM_004553.6 (MANE Select); coding-DNA positions 53 to 56, 4 bases deleted (CGCG; older notation c.53_56delCGCG).
Protein change: p.Ala18fs; shifts the reading frame from alanine 18.
Molecular consequence: frameshift variant.
Genome position (GRCh38, 1-based): chr5:1,801,470-1,801,473, CGCG deleted; deleting any 4 consecutive bases within chr5:1,801,469-1,801,473 gives the same sequence; the c. name uses the placement nearest the transcript's 3' end. VCF-style (leftmost placement, unchanged base first): chr5-1801468-GGCGC-G. GRCh37 (hg19) VCF-style: chr5-1801582-GGCGC-G.
Other names: short protein forms A18fs.
Identifiers: ClinVar variation 2846883 (VCV002846883.3), dbSNP rs2477213486, ClinGen allele CA2739274527.